The following is an entry in ClinVar:

NM_001370259.2(MEN1):c.712T>A (p.Phe238Ile)

Gene: MEN1 (menin 1; minus strand). Cytogenetic location: 11q13.1.
Variant type: single nucleotide variant.
Coding change: c.712T>A on transcript NM_001370259.2 (MANE Select); coding-DNA position 712, T replaced by A.
Protein change: p.Phe238Ile; replaces phenylalanine 238 with isoleucine.
Molecular consequence: missense variant. On other transcripts: non-coding transcript variant (4).
Genome position (GRCh38, 1-based): chr11:64,807,623, A>T on the plus strand (T>A on the coding strand, the complement: MEN1 is on the minus strand). VCF-style: chr11-64807623-A-T. GRCh37 (hg19) VCF-style: chr11-64575095-A-T.
Other names: c.712T>A, p.Phe238Ile (NM_001407144.1, NM_001407146.1, NM_001407147.1 and 7 more transcripts); c.727T>A, p.Phe243Ile (NM_001407145.1, NM_001407150.1, NM_000244.4 and 5 more transcripts); c.607T>A, p.Phe203Ile (NM_001407148.1, NM_001407149.1, NM_001370263.2 and 2 more transcripts); short protein forms F203I, F238I, F243I.
Identifiers: ClinVar variation 4800425 (VCV004800425.1).

ClinVar aggregate classification (germline): Uncertain significance (1 of 4 stars; one submission).

Conditions:
Multiple endocrine neoplasia, type 1 (MEN1). Also called: MEA I; MEN I; WERMER SYNDROME; Endocrine adenomatosis multiple; MEN 1. Identifiers: Orphanet 652, MedGen C0025267, MeSH D018761, MONDO:0007540, OMIM 131100.

Submission:

Labcorp Genetics (formerly Invitae), Labcorp
Classification: Uncertain significance for Multiple endocrine neoplasia, type 1. Last evaluated: 2025-02-19. Review status: criteria provided, single submitter. Criteria: Invitae Variant Classification Sherloc (09022015). Collection method: clinical testing. Allele origin: germline.
Comment: This sequence change replaces phenylalanine, which is neutral and non-polar, with isoleucine, which is neutral and non-polar, at codon 238 of the MEN1 protein (p.Phe238Ile). This variant is not present in population databases (gnomAD no frequency). This variant has not been reported in the literature in individuals affected with MEN1-related conditions. Invitae Evidence Modeling of protein sequence and biophysical properties (such as structural, functional, and spatial information, amino acid conservation, physicochemical variation, residue mobility, and thermodynamic stability) has been performed for this missense variant. However, the output from this modeling did not meet the statistical confidence thresholds required to predict the impact of this variant on MEN1 protein function. In summary, the available evidence is currently insufficient to determine the role of this variant in disease. Therefore, it has been classified as a Variant of Uncertain Significance.